The following is an entry in ClinVar:

ClinVar aggregate classification (germline): Likely pathogenic (1 of 4 stars; one submission).

Submission:

Labcorp Genetics (formerly Invitae), Labcorp
Classification: Likely pathogenic. Last evaluated: 2024-01-05. Review status: criteria provided, single submitter. Criteria: Invitae Variant Classification Sherloc (09022015). Collection method: clinical testing. Allele origin: germline.
Comment: This sequence change affects a donor splice site in intron 3 of the CD46 gene. It is expected to disrupt RNA splicing. Variants that disrupt the donor or acceptor splice site typically lead to a loss of protein function (PMID: 16199547), and loss-of-function variants in CD46 are known to be pathogenic (PMID: 16621965, 23431077). This variant is not present in population databases (gnomAD no frequency). This variant has not been reported in the literature in individuals affected with CD46-related conditions. Algorithms developed to predict the effect of sequence changes on RNA splicing suggest that this variant may disrupt the consensus splice site. In summary, the currently available evidence indicates that the variant is pathogenic, but additional data are needed to prove that conclusively. Therefore, this variant has been classified as Likely Pathogenic.

Literature cited by the submitters: PubMed 16199547; PubMed 16621965; PubMed 23431077.

NM_172351.3(CD46):c.389+1G>T

Gene: CD46 (CD46 molecule; plus strand). Cytogenetic location: 1q32.2.
Variant type: single nucleotide variant.
Coding change: c.389+1G>T on transcript NM_172351.3 (MANE Select); the canonical splice donor site of the intron after coding-DNA position 389, G replaced by T.
Molecular consequence: splice donor variant.
Genome position (GRCh38, 1-based): chr1:207,757,643, G>T. VCF-style: chr1-207757643-G-T. GRCh37 (hg19) VCF-style: chr1-207930988-G-T.
Other names: c.389+1G>T (NM_002389.4, NM_172359.3, NM_153826.4 and 8 more transcripts).
Identifiers: ClinVar variation 2707695 (VCV002707695.3), dbSNP rs2102542129, ClinGen allele CA344548568.